The following is an entry in ClinVar:

ClinVar aggregate classification (germline): Pathogenic/Likely pathogenic. Review status: criteria provided, multiple submitters, no conflicts (2 of 4 stars). 4 submissions from 4 submitters: Pathogenic (1); Likely pathogenic (2). 1 of the submissions does not count toward it. Last evaluated 2025-12-23.

Conditions:
Vitelliform macular dystrophy 2. Also called: Best Macular Dystrophy; Best vitelliform macular dystrophy, multifocal; MACULAR DEGENERATION, POLYMORPHIC VITELLINE; VITELLIFORM MACULAR DYSTROPHY, EARLY-ONSET; VITELLIFORM MACULAR DYSTROPHY, JUVENILE-ONSET; Best Vitelliform Macular Dystrophy (BVMD). Identifiers: Orphanet 1243, MedGen C2745945, MONDO:0007931, OMIM 153700.

Allele frequency attached by ClinVar (database versions not stated): gnomAD exomes below 0.00001; TOPMed below 0.00001.
gnomAD v4.1: 1 of 1,613,988 alleles (0.000062%); highest among the groups gnomAD compares: Non-Finnish European, 0.000085%; no homozygotes.

Submissions (4):

Labcorp Genetics (formerly Invitae), Labcorp
Classification: Likely pathogenic. Last evaluated: 2025-12-23. Review status: criteria provided, single submitter. Criteria: Invitae Variant Classification Sherloc (09022015). Collection method: clinical testing. Allele origin: germline.
Comment: This sequence change replaces leucine, which is neutral and non-polar, with valine, which is neutral and non-polar, at codon 21 of the BEST1 protein (p.Leu21Val). This variant is not present in population databases (gnomAD no frequency). This missense change has been observed in individual(s) with autosomal dominant Best vitelliform macular dystrophy (PMID: 10854112; internal data). ClinVar contains an entry for this variant (Variation ID: 99728). Invitae Evidence Modeling of protein sequence and biophysical properties (such as structural, functional, and spatial information, amino acid conservation, physicochemical variation, residue mobility, and thermodynamic stability) indicates that this missense variant is expected to disrupt BEST1 protein function with a positive predictive value of 95%. Experimental studies have shown that this missense change affects BEST1 function (PMID: 29668979). This variant disrupts the p.Leu21 amino acid residue in BEST1. Other variant(s) that disrupt this residue have been determined to be pathogenic (PMID: 29555955; internal data). This suggests that this residue is clinically significant, and that variants that disrupt this residue are likely to be disease-causing. In summary, the currently available evidence indicates that the variant is pathogenic, but additional data are needed to prove that conclusively. Therefore, this variant has been classified as Likely Pathogenic.

GeneDx
Classification: Likely pathogenic. Last evaluated: 2024-09-12. Review status: criteria provided, single submitter. Criteria: GeneDx Variant Classification Process June 2021. Collection method: clinical testing. Allele origin: germline. Affected: yes.
Comment: Published functional studies demonstrate a damaging effect with protein mislocalization and increased degradation by the lysosome (PMID: 29668979, 21878505); Not observed at significant frequency in large population cohorts (gnomAD); In silico analysis supports that this missense variant has a deleterious effect on protein structure/function; This variant is associated with the following publications: (PMID: 29555955, 21878505, 10737974, 29668979)

3billion
Classification: Pathogenic for Vitelliform macular dystrophy 2. Last evaluated: 2024-02-26. Review status: criteria provided, single submitter. Criteria: ACMG Guidelines, 2015. Collection method: clinical testing. Allele origin: germline. Affected: yes.
Comment: The variant is not observed in the gnomAD v2.1.1 dataset. Predicted Consequence/Location: The variant is located in a mutational hot spot and/or well-established functional domain in which established pathogenic variants have been reported. In silico tool predictions suggest damaging effect of the variant on gene or gene product [REVEL: 0.91 (>=0.6, sensitivity 0.68 and specificity 0.92); 3Cnet: 0.84 (>=0.6, sensitivity 0.72 and precision 0.9)]. Same nucleotide change resulting in same amino acid change has been previously reported as pathogenic/likely pathogenic with strong evidence (ClinVar ID: VCV000099728 /PMID: 10737974). Different missense changes at the same codon (p.Leu21Arg, p.Leu21Gln) have been reported as pathogenic/likely pathogenic with strong evidence (ClinVar ID: VCV001475465, VCV002152113 /PMID: 29555955). Therefore, this variant is classified as Pathogenic according to the recommendation of ACMG/AMP guideline.

Retina International
No classification provided. Review status: no classification provided. Collection method: not provided. Allele origin: not provided. Not counted in ClinVar's aggregate classification.

Literature cited by the submitters: PubMed 10854112 (cited by Labcorp Genetics (formerly Invitae), Labcorp); PubMed 29668979 (cited by Labcorp Genetics (formerly Invitae), Labcorp); PubMed 29555955 (cited by Labcorp Genetics (formerly Invitae), Labcorp and 3billion); PubMed 10737974 (cited by 3billion).

NM_004183.4(BEST1):c.61C>G (p.Leu21Val)

Gene: BEST1 (bestrophin 1; plus strand). Cytogenetic location: 11q12.3.
Variant type: single nucleotide variant.
Coding change: c.61C>G on transcript NM_004183.4 (MANE Select); coding-DNA position 61, C replaced by G.
Protein change: p.Leu21Val; replaces leucine 21 with valine.
Molecular consequence: missense variant. On other transcripts: non-coding transcript variant (1), intron variant (6).
Genome position (GRCh38, 1-based): chr11:61,951,867, C>G. VCF-style: chr11-61951867-C-G. GRCh37 (hg19) VCF-style: chr11-61719339-C-G.
Other names: c.61C>G, p.Leu21Val (NM_001363592.2, NM_001440571.1, NM_001440572.1 and 1 more transcripts); c.-29+1440C>G (NM_001139443.3, NM_001300787.2, NM_001440574.1 and 3 more transcripts); short protein forms L21V.
Identifiers: ClinVar variation 99728 (VCV000099728.8), dbSNP rs281865212, ClinGen allele CA227786.
Genomic context (GRCh38, chr11:61,951,867, plus strand): 5'-ATGACCATCACTTACACAAGCCAAGTGGCTAATGCCCGCTTAGGCTCCTTCTCCCGCCTG[C>G]TGCTGTGCTGGCGGGGCAGCATCTACAAGCTGCTATATGGCGAGTTCTTAATCTTCCTGC-3'
Protein context (NP_004174.1, residues 11-31): NARLGSFSRL[Leu21Val]LCWRGSIYKL